The following is an entry in ClinVar:

ClinVar aggregate classification (germline): Pathogenic. Review status: reviewed by expert panel (3 of 4 stars). 12 submissions from 12 submitters: Pathogenic (1). 11 of the submissions do not count toward it. Last evaluated 2016-09-08.

Conditions:
Hereditary cancer-predisposing syndrome. Also called: Neoplastic Syndromes, Hereditary; Tumor predisposition; Hereditary neoplastic syndrome; Hereditary Cancer Syndrome. Identifiers: Orphanet 140162, MedGen C0027672, MeSH D009386, MONDO:0015356.
Hereditary breast ovarian cancer syndrome. Also called: Hereditary breast and ovarian cancer syndrome; Hereditary breast and ovarian cancer; Hereditary breast and ovarian cancer syndrome (HBOC); Breast and ovarian cancer; Hereditary breast and/or ovarian cancer syndrome; BRCA1- and BRCA2-Associated Hereditary Breast and Ovarian Cancer. Identifiers: Orphanet 145, MedGen C0677776, MeSH D061325, MONDO:0003582. Disease mechanism: loss of function.
Breast-ovarian cancer, familial, susceptibility to, 2 (BROVCA2). Also called: BRCA2 Hereditary Breast and Ovarian Cancer. Identifiers: Orphanet 145, MedGen C2675520, MONDO:0012933, OMIM 612555. Disease mechanism: loss of function.
Familial cancer of breast. Also called: BREAST CANCER, FAMILIAL; Hereditary breast cancer; hereditary breast carcinoma. Identifiers: Orphanet 227535, MedGen C0346153, MONDO:0016419, OMIM 114480. Disease mechanism: loss of function.

Allele frequency attached by ClinVar (database versions not stated): gnomAD exomes below 0.00001.
gnomAD v4.1: 1 of 1,613,768 alleles (0.000062%); highest among the groups gnomAD compares: Non-Finnish European, 0.000085%; no homozygotes.

Submissions (12):

Evidence-based Network for the Interpretation of Germline Mutant Alleles (ENIGMA)
Classification: Pathogenic for Breast-ovarian cancer, familial, susceptibility to, 2. Last evaluated: 2016-09-08. Review status: reviewed by expert panel. Criteria: ENIGMA BRCA1/2 Classification Criteria (2015). Collection method: curation. Allele origin: germline.
Comment: Variant allele predicted to encode a truncated non-functional protein.

Labcorp Genetics (formerly Invitae), Labcorp
Classification: Pathogenic for Hereditary breast ovarian cancer syndrome. Last evaluated: 2025-11-17. Review status: criteria provided, single submitter. Criteria: Invitae Variant Classification Sherloc (09022015). Collection method: clinical testing. Allele origin: germline. Not counted in ClinVar's aggregate classification.
Comment: This sequence change creates a premature translational stop signal (p.Gln2561*) in the BRCA2 gene. It is expected to result in an absent or disrupted protein product. Loss-of-function variants in BRCA2 are known to be pathogenic (PMID: 20104584). This variant is not present in population databases (gnomAD no frequency). This variant has not been reported in the literature in individuals affected with BRCA2-related conditions. ClinVar contains an entry for this variant (Variation ID: 52386). For these reasons, this variant has been classified as Pathogenic.

Ambry Genetics
Classification: Pathogenic for Hereditary cancer-predisposing syndrome. Last evaluated: 2024-12-31. Review status: criteria provided, single submitter. Criteria: Ambry Variant Classification Scheme 2023. Collection method: clinical testing. Allele origin: germline. Not counted in ClinVar's aggregate classification.
Comment: The p.Q2561* pathogenic mutation (also known as c.7681C>T), located in coding exon 15 of the BRCA2 gene, results from a C to T substitution at nucleotide position 7681. This changes the amino acid from a glutamine to a stop codon within coding exon 15. This alteration has been identified in numerous breast and/or ovarian cancer families worldwide (Rebbeck TR et al. Hum Mutat, 2018 05;39:593-620; Yadav S et al. J Clin Oncol, 2020 05;38:1409-1418; Incorvaia L et al. Ther Adv Med Oncol, 2020 Dec;12:1758835920975326; Incorvaia L et al. Cancers (Basel), 2020 May;12). This variant is considered to be rare based on population cohorts in the Genome Aggregation Database (gnomAD). In addition to the clinical data presented in the literature, this alteration is expected to result in loss of function by premature protein truncation or nonsense-mediated mRNA decay. As such, this alteration is interpreted as a disease-causing mutation.

GeneDx
Classification: Pathogenic. Last evaluated: 2023-11-27. Review status: criteria provided, single submitter. Criteria: GeneDx Variant Classification Process June 2021. Collection method: clinical testing. Allele origin: germline. Affected: yes. Not counted in ClinVar's aggregate classification.
Comment: Nonsense variant predicted to result in protein truncation or nonsense mediated decay in a gene for which loss of function is a known mechanism of disease; Not observed at significant frequency in large population cohorts (gnomAD); Truncating variants in this gene are considered pathogenic by a well-established clinical consortium and/or database; Also known as 7909C>T; This variant is associated with the following publications: (PMID: 28091860, 29446198, 32377563, 26306726, 32125938, 32380732, 30613976, 33403015, 31209999)

Baylor Genetics
Classification: Pathogenic for Familial cancer of breast. Last evaluated: 2021-05-25. Review status: criteria provided, single submitter. Criteria: ACMG Guidelines, 2015. Collection method: clinical testing. Allele origin: unknown. Not counted in ClinVar's aggregate classification.

Color Diagnostics, LLC DBA Color Health
Classification: Pathogenic for Hereditary cancer-predisposing syndrome. Last evaluated: 2020-01-15. Review status: criteria provided, single submitter. Criteria: ACMG Guidelines, 2015. Collection method: clinical testing. Allele origin: germline. Not counted in ClinVar's aggregate classification.
Comment: This variant changes 1 nucleotide in exon 16 of the BRCA2 gene, creating a premature translation stop signal. This variant is expected to result in an absent or non-functional protein product. This variant has not been identified in the general population by the Genome Aggregation Database (gnomAD). Loss of BRCA2 function is a known mechanism of disease. Based on the available evidence, this variant is classified as Pathogenic.

Laboratory for Molecular Medicine, Mass General Brigham Personalized Medicine
Classification: Pathogenic for Hereditary breast ovarian cancer syndrome. Last evaluated: 2019-02-08. Review status: criteria provided, single submitter. Criteria: LMM Criteria. Collection method: clinical testing. Allele origin: germline. Inheritance: Autosomal dominant inheritance. Observed: 1 variant allele. Not counted in ClinVar's aggregate classification.
Comment: The p.Gln2561X variant in BRCA2 has been previously reported in at least 4 individuals with BRCA2-associated cancers (Breast Information Core Database;, Rizzolo 2017) and was absent from large population studies. This nonsense variant leads to a premature termination codon at position 2561 which is predicted to lead to a truncated or absent protein. Loss of function of the BRCA2 gene is an established disease mechanism in autosomal dominant hereditary breast and ovarian cancer (HBOC). Moreover, this variant was classified as pathogenic on September 8, 2016 by the ClinGen-approved ENIGMA expert panel (ClinVar SCV000301191.2). In summary, this variant meets criteria to be classified as pathogenic for autosomal dominant HBOC. ACMG/AMP Criteria applied: PVS1, PM2, PS4_supporting.

ARUP Laboratories, Molecular Genetics and Genomics, ARUP Laboratories
Classification: Pathogenic. Last evaluated: 2016-11-02. Review status: criteria provided, single submitter. Criteria: ARUP Molecular Germline Variant Investigation Process. Collection method: clinical testing. Allele origin: germline. Not counted in ClinVar's aggregate classification.

Consortium of Investigators of Modifiers of BRCA1/2 (CIMBA), c/o University of Cambridge
Classification: Pathogenic for Breast-ovarian cancer, familial, susceptibility to, 2. Last evaluated: 2015-10-02. Review status: criteria provided, single submitter. Criteria: CIMBA Mutation Classification guidelines May 2016. Collection method: clinical testing. Allele origin: germline. Not counted in ClinVar's aggregate classification.

Research Molecular Genetics Laboratory, Women's College Hospital, University of Toronto
Classification: Pathogenic for Hereditary breast ovarian cancer syndrome. Last evaluated: 2014-01-31. Review status: no assertion criteria provided. Collection method: research. Allele origin: germline. Affected: yes. Study: The Canadian Open Genetics Repository (COGR). Not counted in ClinVar's aggregate classification.

Sharing Clinical Reports Project (SCRP)
Classification: Pathogenic for Breast-ovarian cancer, familial 2. Last evaluated: 2012-05-01. Review status: no assertion criteria provided. Collection method: clinical testing. Allele origin: germline. Not counted in ClinVar's aggregate classification.

Breast Cancer Information Core (BIC) (BRCA2)
Classification: Pathogenic for Breast-ovarian cancer, familial 2. Last evaluated: 2004-02-20. Review status: no assertion criteria provided. Collection method: clinical testing. Allele origin: germline. Affected: yes. Observed: 3 variant alleles. Not counted in ClinVar's aggregate classification.

Literature cited by the submitters: PubMed 20104584 (cited by Labcorp Genetics (formerly Invitae), Labcorp); PubMed 29446198 (cited by Ambry Genetics); PubMed 32125938 (cited by Ambry Genetics); PubMed 32380732 (cited by Ambry Genetics); PubMed 33403015 (cited by Ambry Genetics); PubMed 26306726 (cited by Laboratory for Molecular Medicine, Mass General Brigham Personalized Medicine); PubMed 28091860 (cited by Laboratory for Molecular Medicine, Mass General Brigham Personalized Medicine).

NM_000059.4(BRCA2):c.7681C>T (p.Gln2561Ter)

Gene: BRCA2 (BRCA2 DNA repair associated; plus strand). Cytogenetic location: 13q13.1.
Variant type: single nucleotide variant.
Coding change: c.7681C>T on transcript NM_000059.4 (MANE Select); coding-DNA position 7681, C replaced by T.
Protein change: p.Gln2561Ter; replaces glutamine 2561 with a stop codon.
Molecular consequence: nonsense.
Genome position (GRCh38, 1-based): chr13:32,357,805, C>T. VCF-style: chr13-32357805-C-T. GRCh37 (hg19) VCF-style: chr13-32931942-C-T.
Other names: short protein forms Q2561*.
Identifiers: ClinVar variation 52386 (VCV000052386.32), dbSNP rs80358994, ClinGen allele CA025228.